The following is an entry in ClinVar:

ClinVar aggregate classification (germline): Uncertain significance (1 of 4 stars; one submission).

Conditions:
Bethlem myopathy 1A. Also called: Bethlem myopathy 1; Bethlem Muscular Dystrophy; MYOPATHY, BENIGN CONGENITAL, WITH CONTRACTURES. Identifiers: Orphanet 610, MedGen CN029274, MONDO:0024530, OMIM 158810.

gnomAD v4.1: 1 of 1,614,236 alleles (0.000062%); highest among the groups gnomAD compares: Non-Finnish European, 0.000085%; no homozygotes.

Submission:

Labcorp Genetics (formerly Invitae), Labcorp
Classification: Uncertain significance for Bethlem myopathy 1A. Last evaluated: 2025-04-18. Review status: criteria provided, single submitter. Criteria: Invitae Variant Classification Sherloc (09022015). Collection method: clinical testing. Allele origin: germline.
Comment: This sequence change replaces lysine, which is basic and polar, with glutamic acid, which is acidic and polar, at codon 585 of the COL6A3 protein (p.Lys585Glu). This variant is not present in population databases (gnomAD no frequency). This variant has not been reported in the literature in individuals affected with COL6A3-related conditions. Invitae Evidence Modeling of protein sequence and biophysical properties (such as structural, functional, and spatial information, amino acid conservation, physicochemical variation, residue mobility, and thermodynamic stability) indicates that this missense variant is not expected to disrupt COL6A3 protein function with a negative predictive value of 95%. In summary, the available evidence is currently insufficient to determine the role of this variant in disease. Therefore, it has been classified as a Variant of Uncertain Significance.

NM_004369.4(COL6A3):c.1753A>G (p.Lys585Glu)

Gene: COL6A3 (collagen type VI alpha 3 chain; minus strand). Cytogenetic location: 2q37.3.
Variant type: single nucleotide variant.
Coding change: c.1753A>G on transcript NM_004369.4 (MANE Select); coding-DNA position 1753, A replaced by G.
Protein change: p.Lys585Glu; replaces lysine 585 with glutamic acid.
Molecular consequence: missense variant.
Genome position (GRCh38, 1-based): chr2:237,381,059, T>C on the plus strand (A>G on the coding strand, the complement: COL6A3 is on the minus strand). VCF-style: chr2-237381059-T-C. GRCh37 (hg19) VCF-style: chr2-238289702-T-C.
Other names: c.532A>G, p.Lys178Glu (NM_057164.5, NM_057166.5); c.1135A>G, p.Lys379Glu (NM_057165.5, NM_057167.4); short protein forms K178E, K585E, K379E.
Identifiers: ClinVar variation 4754130 (VCV004754130.1).